The following is an entry in ClinVar:

NM_001822.7(CHN1):c.*28T>C

Gene: CHN1 (chimerin 1; minus strand). Cytogenetic location: 2q31.1.
Variant type: single nucleotide variant.
Coding change: c.*28T>C on transcript NM_001822.7 (MANE Select); 28 bases downstream of the stop codon, T replaced by C.
Molecular consequence: 3 prime UTR variant. On other transcripts: non-coding transcript variant (1).
Genome position (GRCh38, 1-based): chr2:174,800,088, A>G on the plus strand (T>C on the coding strand, the complement: CHN1 is on the minus strand). VCF-style: chr2-174800088-A-G. GRCh37 (hg19) VCF-style: chr2-175664816-A-G.
Other names: c.*28T>C (NM_001025201.4, NM_001206602.2, NM_001371513.1 and 1 more transcripts).
Identifiers: ClinVar variation 332461 (VCV000332461.6), dbSNP rs143852940, ClinGen allele CA1974769.

ClinVar aggregate classification (germline): Benign. Review status: criteria provided, multiple submitters, no conflicts (2 of 4 stars). 2 submissions from 2 submitters: Benign (2). Last evaluated 2018-01-13.

Conditions:
Duane retraction syndrome 2. Identifiers: Orphanet 233, MedGen C0751083, MONDO:0011444, OMIM 604356.

Allele frequency attached by ClinVar (database versions not stated): ESP Exome Variant Server 0.00448; gnomAD 0.00556 and 0.00589; ExAC 0.00317; gnomAD exomes 0.00137; TOPMed 0.00679; 1000 Genomes Project 0.00799; 1000 Genomes Project 30x 0.00874.
gnomAD v4.1: 1,695 of 1,520,466 alleles (0.11%); highest among the groups gnomAD compares: African/African-American, 2.1%; 11 homozygotes.

Submissions (2):

Illumina Laboratory Services, Illumina
Classification: Benign for Duane retraction syndrome 2. Last evaluated: 2018-01-13. Review status: criteria provided, single submitter. Criteria: ICSL Variant Classification Criteria 13 December 2019. Collection method: clinical testing. Allele origin: germline.
Comment: This variant was observed in the ICSL laboratory as part of a predisposition screen in an ostensibly healthy population. It had not been previously curated by ICSL or reported in the Human Gene Mutation Database (HGMD: prior to June 1st, 2018), and was therefore a candidate for classification through an automated scoring system. Utilizing variant allele frequency, disease prevalence and penetrance estimates, and inheritance mode, an automated score was calculated to assess if this variant is too frequent to cause the disease. Based on the score and internal cut-off values, a variant classified as benign is not then subjected to further curation. The score for this variant resulted in a classification of benign for this disease.

Breakthrough Genomics
Classification: Benign. Review status: criteria provided, single submitter. Criteria: ACMG Guidelines, 2015. Collection method: not provided. Allele origin: germline. Inheritance: Autosomal dominant inheritance. Affected: yes.